The following is an entry in ClinVar:

ClinVar aggregate classification (germline): Conflicting classifications of pathogenicity. Review status: criteria provided, conflicting classifications (1 of 4 stars). 2 submissions from 2 submitters: Uncertain significance (1); Likely benign (1). Last evaluated 2025-04-24.

Allele frequency attached by ClinVar (database versions not stated): gnomAD 0.00018; 1000 Genomes Project 0.00020; 1000 Genomes Project 30x 0.00016; ExAC 0.00018; gnomAD exomes 0.00021; TOPMed 0.00021; ESP Exome Variant Server 0.00023.
gnomAD v4.1: 349 of 1,613,090 alleles (0.022%); highest among the groups gnomAD compares: Middle Eastern, 0.05%; no homozygotes.

Submissions (2):

Ambry Genetics
Classification: Uncertain significance. Last evaluated: 2025-04-24. Review status: criteria provided, single submitter. Criteria: Ambry Variant Classification Scheme 2023. Collection method: clinical testing. Allele origin: germline.

CeGaT Center for Human Genetics Tuebingen
Classification: Likely benign. Last evaluated: 2023-09-01. Review status: criteria provided, single submitter. Criteria: CeGaT Center For Human Genetics Tuebingen Variant Classification Criteria Version 2. Collection method: clinical testing. Allele origin: germline. Affected: yes. Observed: 1 variant allele.
Comment: PPP6R2: BP4

NM_001242898.2(PPP6R2):c.1285G>A (p.Glu429Lys)

Gene: PPP6R2 (protein phosphatase 6 regulatory subunit 2; plus strand). Cytogenetic location: 22q13.33.
Variant type: single nucleotide variant.
Coding change: c.1285G>A on transcript NM_001242898.2 (MANE Select); coding-DNA position 1285, G replaced by A.
Protein change: p.Glu429Lys; replaces glutamic acid 429 with lysine.
Molecular consequence: missense variant.
Genome position (GRCh38, 1-based): chr22:50,431,332, G>A. VCF-style: chr22-50431332-G-A. GRCh37 (hg19) VCF-style: chr22-50869761-G-A.
Other names: c.1288G>A, p.Glu430Lys (NM_001242899.2, NM_001351641.2); c.1285G>A, p.Glu429Lys (NM_001242900.2, NM_014678.5, NM_001351642.2 and 4 more transcripts); c.1282G>A, p.Glu428Lys (NM_001351646.2); c.799G>A, p.Glu267Lys (NM_001351647.2, NM_001351648.2); short protein forms E267K, E428K, E429K, E430K.
Identifiers: ClinVar variation 2369787 (VCV002369787.26), dbSNP rs148637820, ClinGen allele CA10314937.